The following is an entry in ClinVar:

ClinVar aggregate classification (germline): Likely benign. Review status: criteria provided, multiple submitters, no conflicts (2 of 4 stars). 2 submissions from 2 submitters: Likely benign (2). Last evaluated 2017-04-27.

Conditions:
Hereditary spastic paraplegia 48. Also called: SPASTIC PARAPLEGIA 48, AUTOSOMAL RECESSIVE; Spastic paraplegia 48. Identifiers: Orphanet 306511, MedGen C3150901, MONDO:0013342, OMIM 613647.

Allele frequency attached by ClinVar (database versions not stated): 1000 Genomes Project 0.09864; 1000 Genomes Project 30x 0.10431; gnomAD 0.10895 and 0.11462; TOPMed 0.12089.

Submissions (2):

Illumina Laboratory Services, Illumina
Classification: Likely benign for Hereditary spastic paraplegia 48. Last evaluated: 2017-04-27. Review status: criteria provided, single submitter. Criteria: ICSL Variant Classification Criteria 13 December 2019. Collection method: clinical testing. Allele origin: germline.
Comment: This variant was observed as part of a predisposition screen in an ostensibly healthy population. A literature search was performed for the gene, cDNA change, and amino acid change (where applicable). No publications were found based on this search. Allele frequency data from public databases allowed determination this variant is unlikely to cause disease. Therefore, this variant is classified as likely benign.

Breakthrough Genomics
Classification: Likely benign. Review status: criteria provided, single submitter. Criteria: ACMG Guidelines, 2015. Collection method: not provided. Allele origin: germline. Inheritance: Autosomal recessive inheritance. Affected: yes.

NM_014855.3(AP5Z1):c.*953T>C

Genes: AP5Z1 (adaptor related protein complex 5 subunit zeta 1; plus strand), LOC129997864 (ATAC-STARR-seq lymphoblastoid silent region 17903; plus strand). Cytogenetic location: 7p22.1.
Variant type: single nucleotide variant.
Coding change: c.*953T>C on transcript NM_014855.3 (MANE Select); 953 bases downstream of the stop codon, T replaced by C.
Molecular consequence: 3 prime UTR variant. On other transcripts: non-coding transcript variant (1).
Genome position (GRCh38, 1-based): chr7:4,792,338, T>C. VCF-style: chr7-4792338-T-C. GRCh37 (hg19) VCF-style: chr7-4831969-T-C.
Other names: c.*953T>C (LRG_1247t1, NM_001364858.1).
Identifiers: ClinVar variation 360371 (VCV000360371.6), dbSNP rs11976063, ClinGen allele CA10626174.